The following is an entry in ClinVar:

NM_000080.4(CHRNE):c.1051C>T (p.Pro351Ser)

Genes: CHRNE (cholinergic receptor nicotinic epsilon subunit; minus strand), LOC130060041 (ATAC-STARR-seq lymphoblastoid silent region 8050; plus strand). Cytogenetic location: 17p13.2.
Variant type: single nucleotide variant.
Coding change: c.1051C>T on transcript NM_000080.4 (MANE Select); coding-DNA position 1051, C replaced by T.
Protein change: p.Pro351Ser; replaces proline 351 with serine.
Molecular consequence: missense variant.
Genome position (GRCh38, 1-based): chr17:4,899,366, G>A on the plus strand (C>T on the coding strand, the complement: CHRNE is on the minus strand). VCF-style: chr17-4899366-G-A. GRCh37 (hg19) VCF-style: chr17-4802661-G-A.
Other names: short protein forms P351S.
Identifiers: ClinVar variation 937423 (VCV000937423.6), dbSNP rs964034772, ClinGen allele CA287180391.

ClinVar aggregate classification (germline): Uncertain significance. Review status: criteria provided, multiple submitters, no conflicts (2 of 4 stars). 3 submissions from 3 submitters: Uncertain significance (2). 1 of the submissions does not count toward it. Last evaluated 2024-07-24.

Conditions:
Congenital myasthenic syndrome (CMS). Also called: Congenital Myasthenic Syndromes. Identifiers: Orphanet 590, MedGen C0751882, MeSH D020294, MONDO:0018940.
Congenital myasthenic syndrome 4A. Also called: Myasthenic syndrome, congenital, 4a, slow-channel; CONGENITAL MYASTHENIC SYNDROME TYPE Ia1; MYASTHENIC SYNDROME, CONGENITAL, 4A, SLOW-CHANNEL, AUTOSOMAL RECESSIVE. Identifiers: Orphanet 590, MedGen C4225413, MONDO:0011600, OMIM 605809.
Inborn genetic diseases. Identifiers: MedGen C0950123, MeSH D030342.

Allele frequency attached by ClinVar (database versions not stated): gnomAD exomes 0.00001 and 0.00002; gnomAD 0.00007 and 0.00008; TOPMed 0.00009; 1000 Genomes Project 30x 0.00016.
gnomAD v4.1: 21 of 1,533,978 alleles (0.0014%); highest among the groups gnomAD compares: African/African-American, 0.026%; no homozygotes.

Submissions (3):

Labcorp Genetics (formerly Invitae), Labcorp
Classification: Uncertain significance for Congenital myasthenic syndrome 4A. Last evaluated: 2024-07-24. Review status: criteria provided, single submitter. Criteria: Invitae Variant Classification Sherloc (09022015). Collection method: clinical testing. Allele origin: germline.
Comment: This sequence change replaces proline, which is neutral and non-polar, with serine, which is neutral and polar, at codon 351 of the CHRNE protein (p.Pro351Ser). This variant is present in population databases (no rsID available, gnomAD 0.04%). This variant has not been reported in the literature in individuals affected with CHRNE-related conditions. ClinVar contains an entry for this variant (Variation ID: 937423). Advanced modeling of protein sequence and biophysical properties (such as structural, functional, and spatial information, amino acid conservation, physicochemical variation, residue mobility, and thermodynamic stability) has been performed at Invitae for this missense variant, however the output from this modeling did not meet the statistical confidence thresholds required to predict the impact of this variant on CHRNE protein function. In summary, the available evidence is currently insufficient to determine the role of this variant in disease. Therefore, it has been classified as a Variant of Uncertain Significance.

Ambry Genetics
Classification: Uncertain significance for Inborn genetic diseases. Last evaluated: 2023-11-06. Review status: criteria provided, single submitter. Criteria: Ambry Variant Classification Scheme 2023. Collection method: clinical testing. Allele origin: germline.

Natera, Inc.
Classification: Uncertain significance for Congenital myasthenic syndrome. Last evaluated: 2020-01-17. Review status: no assertion criteria provided. Collection method: clinical testing. Allele origin: germline. Not counted in ClinVar's aggregate classification.